The following is an entry in ClinVar:

NC_000017.11:g.(?_31325810)_(31374165_?)del

Genes: NF1 (neurofibromin 1; plus strand), LOC108281182 (NF1 intron 50 Alu-mediated recombination region; plus strand), LOC125177454 (Sharpr-MPRA regulatory region 6872; plus strand). Cytogenetic location: 17q11.2.
Variant type: Deletion.
Identifiers: ClinVar variation 655234 (VCV000655234.1).

ClinVar aggregate classification (germline): Pathogenic (1 of 4 stars; one submission).

Conditions:
Neurofibromatosis, type 1 (NF1). Also called: VON RECKLINGHAUSEN DISEASE; NEUROFIBROMATOSIS, TYPE I, SOMATIC; Peripheral type neurofibromatosis; Neurofibromatosis, type I. Identifiers: Orphanet 636, MedGen C0027831, MONDO:0018975, OMIM 162200. Disease mechanism: loss of function.

Submission:

Labcorp Genetics (formerly Invitae), Labcorp
Classification: Pathogenic for Neurofibromatosis, type 1. Last evaluated: 2018-10-18. Review status: criteria provided, single submitter. Criteria: Invitae Variant Classification Sherloc (09022015). Collection method: clinical testing. Allele origin: germline.
Comment: This variant is a gross deletion of the genomic region encompassing exons 36-57 of the NF1 gene. The 5' boundary is likely confined to intron 35. The 3' end of this event is unknown as it extends through the termination codon beyond the assayed region for this gene and may encompass additional genes. While this deletion is not anticipated to result in nonsense mediated decay, it is expected to create a truncated protein product or disrupt mRNA translation. Similar deletions of exons 36-57 have been observed in individuals affected with neurofibromatosis type 1 (Invitae). Multiple missense variants, including p.Arg1809Cys,Â¬â€ p.Arg1809Leu, and p.Arg1849Gln, located within the deleted region, have been determined to be pathogenic (PMID: 10607834, 10980545, 24357598, 12807981, 26178382). This suggests that this region is critical for NF1 protein function and that the deletion of this larger portion of the NF1 protein may also be pathogenic. For these reasons, this variant has been classified as Pathogenic.

Literature cited by the submitters: PubMed 12807981; PubMed 24357598; PubMed 10980545; PubMed 10607834; PubMed 26178382.